The following is an entry in ClinVar:

NM_022765.4(MICAL1):c.832+3C>T

Gene: MICAL1 (microtubule associated monooxygenase, calponin and LIM domain containing 1; minus strand). Cytogenetic location: 6q21.
Variant type: single nucleotide variant.
Coding change: c.832+3C>T on transcript NM_022765.4 (MANE Select); 3 bases into the intron after coding-DNA position 832, C replaced by T.
Molecular consequence: intron variant.
Genome position (GRCh38, 1-based): chr6:109,452,243, G>A on the plus strand (C>T on the coding strand, the complement: MICAL1 is on the minus strand). VCF-style: chr6-109452243-G-A. GRCh37 (hg19) VCF-style: chr6-109773446-G-A.
Other names: c.889+3C>T (NM_001286613.2); c.832+3C>T (NM_001159291.2).
Identifiers: ClinVar variation 2129274 (VCV002129274.4), dbSNP rs2482808878, ClinGen allele CA2580074780.

ClinVar aggregate classification (germline): Uncertain significance (1 of 4 stars; one submission).

Allele frequency attached by ClinVar (database versions not stated): gnomAD exomes below 0.00001.
gnomAD v4.1: 1 of 1,612,286 alleles (0.000062%); highest among the groups gnomAD compares: Non-Finnish European, 0.000085%; no homozygotes.

Submission:

Labcorp Genetics (formerly Invitae), Labcorp
Classification: Uncertain significance. Last evaluated: 2022-07-06. Review status: criteria provided, single submitter. Criteria: Invitae Variant Classification Sherloc (09022015). Collection method: clinical testing. Allele origin: germline.
Comment: Variants that disrupt the consensus splice site are a relatively common cause of aberrant splicing (PMID: 17576681, 9536098). Algorithms developed to predict the effect of sequence changes on RNA splicing suggest that this variant is not likely to affect RNA splicing. This variant has not been reported in the literature in individuals affected with MICAL1-related conditions. This variant is not present in population databases (gnomAD no frequency). This sequence change falls in intron 6 of the MICAL1 gene. It does not directly change the encoded amino acid sequence of the MICAL1 protein. It affects a nucleotide within the consensus splice site. In summary, the available evidence is currently insufficient to determine the role of this variant in disease. Therefore, it has been classified as a Variant of Uncertain Significance.

Literature cited by the submitters: PubMed 17576681; PubMed 9536098.